The following is an entry in ClinVar:

NM_001351132.2(PEX5):c.449-8C>T

Gene: PEX5 (peroxisomal biogenesis factor 5; plus strand). Cytogenetic location: 12p13.31.
Variant type: single nucleotide variant.
Coding change: c.449-8C>T on transcript NM_001351132.2 (MANE Select); 8 bases into the intron before coding-DNA position 449, C replaced by T.
Molecular consequence: intron variant.
Genome position (GRCh38, 1-based): chr12:7,199,003, C>T. VCF-style: chr12-7199003-C-T. GRCh37 (hg19) VCF-style: chr12-7351599-C-T.
Other names: c.449-8C>T (NM_001351124.3, NM_001131026.2, NM_001351131.2 and 20 more transcripts); c.494-8C>T (NM_001351135.3, NM_001131023.2, NM_001351138.2).
Identifiers: ClinVar variation 1544846 (VCV001544846.9), dbSNP rs771181829, ClinGen allele CA6426142.

ClinVar aggregate classification (germline): Likely benign. Review status: criteria provided, multiple submitters, no conflicts (2 of 4 stars). 2 submissions from 2 submitters: Likely benign (2). Last evaluated 2026-01-09.

Conditions:
PEX5-related disorder. Also called: PEX5-related condition; PEX5-Related Disorders.
Peroxisome biogenesis disorder 2B (PBD2B). Identifiers: Orphanet 44, MedGen C3550234, MONDO:0008736, OMIM 202370.

Allele frequency attached by ClinVar (database versions not stated): gnomAD exomes below 0.00001; gnomAD 0.00003 and 0.00004.
gnomAD v4.1: 10 of 1,540,828 alleles (0.00065%); highest among the groups gnomAD compares: African/African-American, 0.011%; no homozygotes.

Submissions (2):

Labcorp Genetics (formerly Invitae), Labcorp
Classification: Likely benign for Peroxisome biogenesis disorder 2B. Last evaluated: 2026-01-09. Review status: criteria provided, single submitter. Criteria: Invitae Variant Classification Sherloc (09022015). Collection method: clinical testing. Allele origin: germline.

PreventionGenetics, part of Exact Sciences
Classification: Likely benign for PEX5-related condition. Last evaluated: 2025-01-21. Review status: criteria provided, single submitter. Criteria: ACMG Guidelines, 2015. Collection method: clinical testing. Allele origin: germline.
Comment: This variant is classified as likely benign based on ACMG/AMP sequence variant interpretation guidelines (Richards et al. 2015 PMID: 25741868, with internal and published modifications).